The following is an entry in ClinVar:

NM_001540.5(HSPB1):c.365-60C>T

Gene: HSPB1 (heat shock protein family B (small) member 1; plus strand). Cytogenetic location: 7q11.23.
Variant type: single nucleotide variant.
Coding change: c.365-60C>T on transcript NM_001540.5 (MANE Select); 60 bases into the intron before coding-DNA position 365, C replaced by T.
Molecular consequence: intron variant.
Genome position (GRCh38, 1-based): chr7:76,303,742, C>T. VCF-style: chr7-76303742-C-T. GRCh37 (hg19) VCF-style: chr7-75933059-C-T.
Identifiers: ClinVar variation 675726 (VCV000675726.2), dbSNP rs11769502, ClinGen allele CA160900964.

ClinVar aggregate classification (germline): Likely benign. Review status: criteria provided, multiple submitters, no conflicts (2 of 4 stars). 2 submissions from 2 submitters: Likely benign (2). Last evaluated 2018-06-16.

Allele frequency attached by ClinVar (database versions not stated): 1000 Genomes Project 30x 0.00219; 1000 Genomes Project 0.00280; TOPMed 0.00900; gnomAD 0.00986 and 0.01067.
gnomAD v4.1: 19,128 of 1,510,014 alleles (1.3%); highest among the groups gnomAD compares: Non-Finnish European, 1.5%; 165 homozygotes.

Submissions (2):

GeneDx
Classification: Likely benign. Last evaluated: 2018-06-16. Review status: criteria provided, single submitter. Criteria: GeneDx Variant Classification (06012015). Collection method: clinical testing. Allele origin: germline. Affected: yes.
Comment: This variant is considered likely benign or benign based on one or more of the following criteria: it is a conservative change, it occurs at a poorly conserved position in the protein, it is predicted to be benign by multiple in silico algorithms, and/or has population frequency not consistent with disease.

Breakthrough Genomics
Classification: Likely benign. Review status: criteria provided, single submitter. Criteria: ACMG Guidelines, 2015. Collection method: not provided. Allele origin: germline. Inheritance: Autosomal dominant inheritance. Affected: yes.